The following is an entry in ClinVar:

NM_182916.3(TRNT1):c.1286G>T (p.Ser429Ile)

Gene: TRNT1 (tRNA nucleotidyl transferase 1; plus strand). Cytogenetic location: 3p26.2.
Variant type: single nucleotide variant.
Coding change: c.1286G>T on transcript NM_182916.3 (MANE Select); coding-DNA position 1286, G replaced by T.
Protein change: p.Ser429Ile; replaces serine 429 with isoleucine.
Molecular consequence: missense variant. On other transcripts: non-coding transcript variant (8).
Genome position (GRCh38, 1-based): chr3:3,148,135, G>T. VCF-style: chr3-3148135-G-T. GRCh37 (hg19) VCF-style: chr3-3189819-G-T.
Other names: c.1226G>T, p.Ser409Ile (NM_001302946.2); c.1286G>T, p.Ser429Ile (NM_001367321.1, NM_001367322.1, NM_001367323.1); short protein forms S429I, S409I.
Identifiers: ClinVar variation 1368902 (VCV001368902.8), dbSNP rs2126038555, ClinGen allele CA351449208.
Genomic context (GRCh38, chr3:3,148,135, plus strand): 5'-AACAGTTGCGAGAACAGTGGAAAAAAAGTGGTTACCAAATGGAAAAAGATGAACTTCTGA[G>T]TTACATAAAGAAGACCTAAAACTGATGGCTACTAAAAAGCAGAGCATTTCTGGTAAGACT-3'
Protein context (NP_886552.3, residues 419-434): GYQMEKDELL[Ser429Ile]YIKKT

ClinVar aggregate classification (germline): Uncertain significance (1 of 4 stars; one submission).

Conditions:
Congenital sideroblastic anemia-B-cell immunodeficiency-periodic fever-developmental delay syndrome. Also called: Sideroblastic anemia with B-cell immunodeficiency, periodic fevers, and developmental delay. Identifiers: Orphanet 369861, MedGen C4015172, MONDO:0014487, OMIM 616084.

Submission:

Labcorp Genetics (formerly Invitae), Labcorp
Classification: Uncertain significance for Congenital sideroblastic anemia-B-cell immunodeficiency-periodic fever-developmental delay syndrome. Last evaluated: 2021-02-02. Review status: criteria provided, single submitter. Criteria: Invitae Variant Classification Sherloc (09022015). Collection method: clinical testing. Allele origin: germline.
Comment: This sequence change replaces serine with isoleucine at codon 429 of the TRNT1 protein (p.Ser429Ile). The serine residue is moderately conserved and there is a large physicochemical difference between serine and isoleucine. This variant is not present in population databases (ExAC no frequency). This variant has not been reported in the literature in individuals with TRNT1-related conditions. Algorithms developed to predict the effect of missense changes on protein structure and function (SIFT, PolyPhen-2, Align-GVGD) all suggest that this variant is likely to be tolerated, but these predictions have not been confirmed by published functional studies and their clinical significance is uncertain. In summary, the available evidence is currently insufficient to determine the role of this variant in disease. Therefore, it has been classified as a Variant of Uncertain Significance.